The following is an entry in ClinVar:

NM_000173.7(GP1BA):c.1761A>C (p.Gln587His)

Genes: GP1BA (glycoprotein Ib platelet subunit alpha; plus strand), LOC130060044 (ATAC-STARR-seq lymphoblastoid active region 11554; plus strand). Cytogenetic location: 17p13.2.
Variant type: single nucleotide variant.
Coding change: c.1761A>C on transcript NM_000173.7 (MANE Select); coding-DNA position 1761, A replaced by C.
Protein change: p.Gln587His; replaces glutamine 587 with histidine.
Molecular consequence: missense variant.
Genome position (GRCh38, 1-based): chr17:4,934,365, A>C. VCF-style: chr17-4934365-A-C. GRCh37 (hg19) VCF-style: chr17-4837660-A-C.
Other names: short protein forms Q587H.
Identifiers: ClinVar variation 808198 (VCV000808198.50), dbSNP rs570515282, ClinGen allele CA8315065.

ClinVar aggregate classification (germline): Uncertain significance. Review status: criteria provided, multiple submitters, no conflicts (2 of 4 stars). 7 submissions from 7 submitters: Uncertain significance (6). 1 of the submissions does not count toward it. Last evaluated 2026-06-03.

Conditions:
Thrombocytopenia. Identifiers: MedGen C0040034, MeSH D013921, MONDO:0002049, HP:0001873.
Abnormal bleeding. Also called: Bleeding diathesis. Identifiers: MedGen C1458140, HP:0001892.
Pseudo von Willebrand disease (VWDP). Also called: Platelet-type von Willebrand disease; BLEEDING DISORDER, PLATELET-TYPE, 3. Identifiers: Orphanet 52530, MedGen C1280798, MONDO:0008332, OMIM 177820.
Bernard Soulier syndrome (BSS). Also called: GLYCOPROTEIN Ib, PLATELET, DEFICIENCY OF; BLEEDING DISORDER, PLATELET-TYPE, 1; PLATELET GLYCOPROTEIN Ib DEFICIENCY; VON WILLEBRAND FACTOR RECEPTOR DEFICIENCY; Platelet Glycoprotein 1b, Deficiency of; Giant platelet syndrome. Identifiers: Orphanet 274, MedGen C0005129, MeSH D001606, MONDO:0009276, OMIM 231200.
Bernard-Soulier syndrome, type A2, autosomal dominant (BSSA2). Also called: Bernard-Soulier syndrome, type A2 (dominant). Identifiers: Orphanet 274, MedGen C3277076, MONDO:0007930, OMIM 153670.
Nonarteritic anterior ischemic optic neuropathy, susceptibility to (NAION). Also called: NAION, SUSCEPTIBILITY TO; OPTIC NEUROPATHY, ANTERIOR ISCHEMIC, SUSCEPTIBILITY TO. Identifiers: MedGen C1847711, MONDO:0009789, OMIM 258660.

Allele frequency attached by ClinVar (database versions not stated): gnomAD 0.00010 and 0.00021; gnomAD exomes 0.00017 and 0.00048; TOPMed 0.00026; ExAC 0.00043; 1000 Genomes Project 0.00100; 1000 Genomes Project 30x 0.00109.
gnomAD v4.1: 299 of 1,614,034 alleles (0.019%); highest among the groups gnomAD compares: East Asian, 0.33%; 6 homozygotes.

Submissions (7):

Women's Health and Genetics/Laboratory Corporation of America, LabCorp
Classification: Uncertain significance. Last evaluated: 2026-06-03. Review status: criteria provided, single submitter. Criteria: LabCorp Variant Classification Summary - May 2015. Collection method: clinical testing. Allele origin: germline.
Comment: Variant summary: GP1BA c.1761A>C (p.Gln587His) results in a non-conservative amino acid change in the encoded protein sequence. Algorithms developed to predict the effect of missense changes on protein structure and function are either unavailable or do not agree on the potential impact of this missense change. The variant allele was found at a frequency of 0.00048 in 249258 control chromosomes. This frequency is not significantly higher than estimated for disease-causing variants in GP1BA, allowing no conclusion about variant significance. c.1761A>C has been observed in individuals affected with GP1BA-related condition without strong evidence for causality (Johnson_2016, Zhang_2021). These report(s) do not provide unequivocal conclusions about association of the variant with Bernard-Soulier Syndrome, Type A2, Autosomal Dominant. To our knowledge, no experimental evidence demonstrating an impact on protein function has been reported. The following publications have been ascertained in the context of this evaluation (PMID: 27479822, 34237177). ClinVar contains an entry for this variant (Variation ID: 808198). Based on the evidence outlined above, the variant was classified as uncertain significance.

Blueprint Genetics
Classification: Uncertain significance. Last evaluated: 2024-05-06. Review status: criteria provided, single submitter. Criteria: ACMG Guidelines, 2015. Collection method: clinical testing. Allele origin: germline.

Fulgent Genetics
Classification: Uncertain significance for Bernard-Soulier syndrome, type A2, autosomal dominant; Pseudo von Willebrand disease; Bernard Soulier syndrome; Nonarteritic anterior ischemic optic neuropathy, susceptibility to. Last evaluated: 2022-02-28. Review status: criteria provided, single submitter. Criteria: ACMG Guidelines, 2015. Collection method: clinical testing. Allele origin: unknown.

Department of Pathology and Laboratory Medicine, Sinai Health System
Classification: Uncertain significance for Bernard-Soulier syndrome, type A2, autosomal dominant; Pseudo von Willebrand disease; Bernard Soulier syndrome; Nonarteritic anterior ischemic optic neuropathy, susceptibility to. Last evaluated: 2021-07-30. Review status: criteria provided, single submitter. Criteria: ACMG Guidelines, 2015. Collection method: research. Allele origin: germline.

GeneDx
Classification: Uncertain significance. Last evaluated: 2020-02-25. Review status: criteria provided, single submitter. Criteria: GeneDx Variant Classification Process June 2021. Collection method: clinical testing. Allele origin: germline. Affected: yes.
Comment: In silico analysis supports that this missense variant does not alter protein structure/function; Identify in a patient with thrombocytopenia in published literature (Johnson et al., 2016); This variant is associated with the following publications: (PMID: 27479822)

CeGaT Center for Human Genetics Tuebingen
Classification: Uncertain significance. Last evaluated: 2019-02-01. Review status: criteria provided, single submitter. Criteria: CeGaT Center For Human Genetics Tuebingen Variant Classification Criteria Version 2. Collection method: clinical testing. Allele origin: germline. Affected: yes. Observed: 1 variant allele.

Birmingham Platelet Group; University of Birmingham
Classification: Uncertain significance for Thrombocytopenia; Abnormal bleeding. Last evaluated: 2020-05-01. Review status: no assertion criteria provided. Collection method: research. Allele origin: germline. Affected: yes. Not counted in ClinVar's aggregate classification.

Literature cited by the submitters: PubMed 34237177 (cited by Women's Health and Genetics/Laboratory Corporation of America, LabCorp); PubMed 27479822 (cited by Women's Health and Genetics/Laboratory Corporation of America, LabCorp).